The following is an entry in ClinVar:

ClinVar aggregate classification (germline): Uncertain significance (1 of 4 stars; one submission).

Submission:

Labcorp Genetics (formerly Invitae), Labcorp
Classification: Uncertain significance. Last evaluated: 2022-09-12. Review status: criteria provided, single submitter. Criteria: Invitae Variant Classification Sherloc (09022015). Collection method: clinical testing. Allele origin: germline.
Comment: This variant has not been reported in the literature in individuals affected with MTOR-related conditions. In summary, the available evidence is currently insufficient to determine the role of this variant in disease. Therefore, it has been classified as a Variant of Uncertain Significance. This variant is not present in population databases (gnomAD no frequency). This sequence change creates a premature translational stop signal (p.Gln232*) in the MTOR gene. It is expected to result in an absent or disrupted protein product. However, the current clinical and genetic evidence is not sufficient to establish whether loss-of-function variants in MTOR cause disease.

NM_004958.4(MTOR):c.694C>T (p.Gln232Ter)

Gene: MTOR (mechanistic target of rapamycin kinase; minus strand). Cytogenetic location: 1p36.22.
Variant type: single nucleotide variant.
Coding change: c.694C>T on transcript NM_004958.4 (MANE Select); coding-DNA position 694, C replaced by T.
Protein change: p.Gln232Ter; replaces glutamine 232 with a stop codon.
Molecular consequence: nonsense. On other transcripts: 5 prime UTR variant (1).
Genome position (GRCh38, 1-based): chr1:11,256,003, G>A on the plus strand (C>T on the coding strand, the complement: MTOR is on the minus strand). VCF-style: chr1-11256003-G-A. GRCh37 (hg19) VCF-style: chr1-11316060-G-A.
Other names: c.694C>T, p.Gln232Ter (NM_001386500.1); c.-446C>T (NM_001386501.1); short protein forms Q232*.
Identifiers: ClinVar variation 2024213 (VCV002024213.4), dbSNP rs2523449091, ClinGen allele CA338402650.